The following is an entry in ClinVar:

ClinVar aggregate classification (germline): Pathogenic (1 of 4 stars; one submission).

Conditions:
Hereditary cancer-predisposing syndrome. Also called: Hereditary Cancer Syndrome; Tumor predisposition; Neoplastic Syndromes, Hereditary; Hereditary neoplastic syndrome. Identifiers: Orphanet 140162, MedGen C0027672, MeSH D009386, MONDO:0015356.

Submission:

Labcorp Genetics (formerly Invitae), Labcorp
Classification: Pathogenic for Hereditary cancer-predisposing syndrome. Last evaluated: 2022-03-31. Review status: criteria provided, single submitter. Criteria: Invitae Variant Classification Sherloc (09022015). Collection method: clinical testing. Allele origin: germline.
Comment: This variant is not present in population databases (gnomAD no frequency). For these reasons, this variant has been classified as Pathogenic. Algorithms developed to predict the effect of sequence changes on RNA splicing suggest that this variant may disrupt the consensus splice site. This variant has not been reported in the literature in individuals affected with RAD50-related conditions. This sequence change creates a premature translational stop signal (p.Glu619Serfs*23) in the RAD50 gene. It is expected to result in an absent or disrupted protein product. Loss-of-function variants in RAD50 are known to be pathogenic (PMID: 19409520).

Literature cited by the submitters: PubMed 19409520.

NM_005732.4(RAD50):c.1855_1858del (p.Glu619fs)

Gene: RAD50 (RAD50 double strand break repair protein; plus strand). Cytogenetic location: 5q31.1.
Variant type: Deletion.
Coding change: c.1855_1858del on transcript NM_005732.4 (MANE Select); coding-DNA positions 1855 to 1858, 4 bases deleted (GAAG; older notation c.1855_1858delGAAG).
Protein change: p.Glu619fs; shifts the reading frame from glutamic acid 619.
Molecular consequence: frameshift variant.
Genome position (GRCh38, 1-based): chr5:132,594,930-132,594,933, GAAG deleted; deleting any 4 consecutive bases within chr5:132,594,927-132,594,933 gives the same sequence; the c. name uses the placement nearest the transcript's 3' end. VCF-style (leftmost placement, unchanged base first): chr5-132594926-AAAGG-A. GRCh37 (hg19) VCF-style: chr5-131930618-AAAGG-A.
Other names: short protein forms E619fs.
Identifiers: ClinVar variation 2119725 (VCV002119725.4), dbSNP rs2479649815, ClinGen allele CA2580072656.
Genomic context (GRCh38, chr5:132,594,926, plus strand): 5'-TAGCAAGGAACTAGCTTCATCTGAGCAGAATAAAAATCATATAAATAATGAACTAAAAAG[AAAGG>A]AAGAGCAGTTGTCCAGTTACGAAGACAAGCTGTTTGATGTTTGTGGTAGCCAGGATTTTG-3'